The following is an entry in ClinVar:

ClinVar aggregate classification (germline): Conflicting classifications of pathogenicity. Review status: criteria provided, conflicting classifications (1 of 4 stars). 5 submissions from 5 submitters: Uncertain significance (4); Likely benign (1). Last evaluated 2025-05-13.

Conditions:
Familial cancer of breast. Also called: BREAST CANCER, FAMILIAL; Hereditary breast cancer; hereditary breast carcinoma. Identifiers: Orphanet 227535, MedGen C0346153, MONDO:0016419, OMIM 114480. Disease mechanism: loss of function.
Hereditary cancer-predisposing syndrome. Also called: Tumor predisposition; Hereditary Cancer Syndrome; Hereditary neoplastic syndrome; Neoplastic Syndromes, Hereditary. Identifiers: Orphanet 140162, MedGen C0027672, MeSH D009386, MONDO:0015356.

Allele frequency attached by ClinVar (database versions not stated): gnomAD exomes below 0.00001 and 0.00001; TOPMed below 0.00001; ExAC 0.00001.
gnomAD v4.1: 9 of 1,614,124 alleles (0.00056%); highest among the groups gnomAD compares: Non-Finnish European, 0.00076%; no homozygotes.

Submissions (5):

Labcorp Genetics (formerly Invitae), Labcorp
Classification: Uncertain significance for Familial cancer of breast. Last evaluated: 2025-05-13. Review status: criteria provided, single submitter. Criteria: Invitae Variant Classification Sherloc (09022015). Collection method: clinical testing. Allele origin: germline.
Comment: This sequence change replaces lysine, which is basic and polar, with glutamic acid, which is acidic and polar, at codon 294 of the PALB2 protein (p.Lys294Glu). This variant is present in population databases (rs753676934, gnomAD 0.0009%). This variant has not been reported in the literature in individuals affected with PALB2-related conditions. ClinVar contains an entry for this variant (Variation ID: 410190). An algorithm developed to predict the effect of missense changes on protein structure and function outputs the following: PolyPhen-2: "Benign". The glutamic acid amino acid residue is found in multiple mammalian species, which suggests that this missense change does not adversely affect protein function. In summary, the available evidence is currently insufficient to determine the role of this variant in disease. Therefore, it has been classified as a Variant of Uncertain Significance.

Color Diagnostics, LLC DBA Color Health
Classification: Uncertain significance for Hereditary cancer-predisposing syndrome. Last evaluated: 2025-03-25. Review status: criteria provided, single submitter. Criteria: ACMG Guidelines, 2015. Collection method: clinical testing. Allele origin: germline.
Comment: This missense variant replaces lysine with glutamic acid at codon 294 of the PALB2 protein. Computational prediction suggests that this variant may not impact protein structure and function. To our knowledge, functional studies have not been reported for this variant. This variant has been detected in a breast cancer case-control meta-analysis in 1/60466 cases and 2/53461 unaffected individuals (PMID: 33471991; Leiden Open Variation Database DB-ID PALB2_011113). This variant has been identified in 1/251358 chromosomes in the general population by the Genome Aggregation Database (gnomAD). The available evidence is insufficient to determine the role of this variant in disease conclusively. Therefore, this variant is classified as a Variant of Uncertain Significance.

Ambry Genetics
Classification: Likely benign for Hereditary cancer-predisposing syndrome. Last evaluated: 2025-01-02. Review status: criteria provided, single submitter. Criteria: Ambry Variant Classification Scheme 2023. Collection method: clinical testing. Allele origin: germline.

Institute for Biomarker Research, Medical Diagnostic Laboratories, L.L.C.
Classification: Uncertain significance for Hereditary cancer-predisposing syndrome. Last evaluated: 2024-06-17. Review status: criteria provided, single submitter. Criteria: ACMG Guidelines, 2015. Collection method: clinical testing. Allele origin: germline.

AiLife Diagnostics
Classification: Uncertain significance. Last evaluated: 2021-02-21. Review status: criteria provided, single submitter. Criteria: ACMG Guidelines, 2015. Collection method: clinical testing. Allele origin: germline. Affected: yes. Observed: 1 variant allele.

Literature cited by the submitters: PubMed 33471991 (cited by Color Diagnostics, LLC DBA Color Health).

NM_024675.4(PALB2):c.880A>G (p.Lys294Glu)

Gene: PALB2 (partner and localizer of BRCA2; minus strand). Cytogenetic location: 16p12.2.
Variant type: single nucleotide variant.
Coding change: c.880A>G on transcript NM_024675.4 (MANE Select); coding-DNA position 880, A replaced by G.
Protein change: p.Lys294Glu; replaces lysine 294 with glutamic acid.
Molecular consequence: missense variant.
Genome position (GRCh38, 1-based): chr16:23,635,666, T>C on the plus strand (A>G on the coding strand, the complement: PALB2 is on the minus strand). VCF-style: chr16-23635666-T-C. GRCh37 (hg19) VCF-style: chr16-23646987-T-C.
Other names: short protein forms K294E.
Identifiers: ClinVar variation 410190 (VCV000410190.23), dbSNP rs753676934, ClinGen allele CA7963750.